The following is an entry in ClinVar:

NM_206943.4(LTBP1):c.5014C>T (p.Arg1672Trp)

Gene: LTBP1 (latent transforming growth factor beta binding protein 1; plus strand). Cytogenetic location: 2p22.3.
Variant type: single nucleotide variant.
Coding change: c.5014C>T on transcript NM_206943.4 (MANE Select); coding-DNA position 5014, C replaced by T.
Protein change: p.Arg1672Trp; replaces arginine 1672 with tryptophan.
Molecular consequence: missense variant.
Genome position (GRCh38, 1-based): chr2:33,398,393, C>T. VCF-style: chr2-33398393-C-T. GRCh37 (hg19) VCF-style: chr2-33623460-C-T.
Other names: c.4036C>T, p.Arg1346Trp (NM_000627.4); c.3910C>T, p.Arg1304Trp (NM_001166264.2, NM_001394909.1); c.3877C>T, p.Arg1293Trp (NM_001166265.2); c.3751C>T, p.Arg1251Trp (NM_001166266.2, NM_001394920.1); c.4855C>T, p.Arg1619Trp (NM_001394905.1); c.4033C>T, p.Arg1345Trp (NM_001394906.1); c.3949C>T, p.Arg1317Trp (NM_001394907.1); c.3916C>T, p.Arg1306Trp (NM_001394908.1); and 13 more; short protein forms R1255W, R1276W, R1317W, R1672W, R1161W, R1211W, R1251W, R1256W.
Identifiers: ClinVar variation 2391161 (VCV002391161.19), dbSNP rs144508055, ClinGen allele CA1608363.
Genomic context (GRCh38, chr2:33,398,393, plus strand): 5'-TTGTTTACCTGCATGGCTTGACTTATTGCAGATGTAAATGAATGCGATGAGTTGAACAAC[C>T]GGATGTCTCTCTGCAAGAATGCCAAGTGCATTAACACCGATGGTTCCTACAAGTGTTTGT-3'
Protein context (NP_996826.3, residues 1662-1682): DVNECDELNN[Arg1672Trp]MSLCKNAKCI

ClinVar aggregate classification (germline): Uncertain significance. Review status: criteria provided, multiple submitters, no conflicts (2 of 4 stars). 2 submissions from 2 submitters: Uncertain significance (2). Last evaluated 2025-01-27.

Allele frequency attached by ClinVar (database versions not stated): gnomAD 0.00011; ExAC 0.00017; TOPMed 0.00017; ESP Exome Variant Server 0.00023; gnomAD exomes 0.00025.
gnomAD v4.1: 376 of 1,613,808 alleles (0.023%); highest among the groups gnomAD compares: Non-Finnish European, 0.03%; no homozygotes.

Submissions (2):

Ambry Genetics
Classification: Uncertain significance. Last evaluated: 2025-01-27. Review status: criteria provided, single submitter. Criteria: Ambry Variant Classification Scheme 2023. Collection method: clinical testing. Allele origin: germline.

CeGaT Center for Human Genetics Tuebingen
Classification: Uncertain significance. Last evaluated: 2024-08-01. Review status: criteria provided, single submitter. Criteria: CeGaT Center For Human Genetics Tuebingen Variant Classification Criteria Version 2. Collection method: clinical testing. Allele origin: germline. Affected: yes. Observed: 1 variant allele.
Comment: LTBP1: PM2, PP3